The following is an entry in ClinVar:

NM_001244008.2(KIF1A):c.1715C>T (p.Ala572Val)

Gene: KIF1A (kinesin family member 1A; minus strand). Cytogenetic location: 2q37.3.
Variant type: single nucleotide variant.
Coding change: c.1715C>T on transcript NM_001244008.2 (MANE Select); coding-DNA position 1715, C replaced by T.
Protein change: p.Ala572Val; replaces alanine 572 with valine.
Molecular consequence: missense variant.
Genome position (GRCh38, 1-based): chr2:240,765,763, G>A on the plus strand (C>T on the coding strand, the complement: KIF1A is on the minus strand). VCF-style: chr2-240765763-G-A. GRCh37 (hg19) VCF-style: chr2-241705180-G-A.
Other names: c.1715C>T, p.Ala572Val (NM_001320705.2, NM_001330289.2, NM_001379638.1); c.1790C>T, p.Ala597Val (NM_001330290.2, NM_001379631.1, NM_001379634.1 and 2 more transcripts); c.1688C>T, p.Ala563Val (NM_001379632.1, NM_001379633.1, NM_001379636.1 and 10 more transcripts); c.1763C>T, p.Ala588Val (NM_001379637.1, NM_001379648.1); short protein forms A563V, A572V, A588V, A597V.
Identifiers: ClinVar variation 4789380 (VCV004789380.1).
Genomic context (GRCh38, chr2:240,765,763, plus strand): 5'-GCCATACCTGAACGCAGGATGCTGGGCTCTGTGACTTTCTTGCCATTGACGTAGGTGTCT[G>A]CCCCCTCACAGGGCTCCAAGGTCACCACAGCTACAGGAAAGGTGGGAGGGGCAGAGAGGA-3'
Protein context (NP_001230937.1, residues 562-582): AVVTLEPCEG[Ala572Val]DTYVNGKKVT

ClinVar aggregate classification (germline): Uncertain significance (1 of 4 stars; one submission).

Conditions:
Neuropathy, hereditary sensory, type 2C. Also called: KIF1A-Related HSAN2 (HSAN2C); Hereditary sensory and autonomic neuropathy type IIC. Identifiers: Orphanet 970, MedGen C3280168, MONDO:0013634, OMIM 614213.
Hereditary spastic paraplegia 30. Identifiers: Orphanet 101010, MedGen C5235139, MONDO:0012476.
Intellectual disability, autosomal dominant 9 (NESCAVS). Also called: KIF1A-Related Neurodevelopmental Disorder; NESCAV SYNDROME. Identifiers: Orphanet 662367, MedGen C5393830, MONDO:0013656, OMIM 614255.

gnomAD v4.1: 2 of 1,613,592 alleles (0.00012%); highest among the groups gnomAD compares: Non-Finnish European, 0.00017%; no homozygotes.

Submission:

Labcorp Genetics (formerly Invitae), Labcorp
Classification: Uncertain significance for Hereditary spastic paraplegia 30; Neuropathy, hereditary sensory, type 2C; Intellectual disability, autosomal dominant 9. Last evaluated: 2025-05-22. Review status: criteria provided, single submitter. Criteria: Invitae Variant Classification Sherloc (09022015). Collection method: clinical testing. Allele origin: germline.
Comment: This sequence change replaces alanine, which is neutral and non-polar, with valine, which is neutral and non-polar, at codon 563 of the KIF1A protein (p.Ala563Val). This variant is not present in population databases (gnomAD no frequency). This variant has not been reported in the literature in individuals affected with KIF1A-related conditions. Invitae Evidence Modeling of protein sequence and biophysical properties (such as structural, functional, and spatial information, amino acid conservation, physicochemical variation, residue mobility, and thermodynamic stability) indicates that this missense variant is expected to disrupt KIF1A protein function with a positive predictive value of 95%. In summary, the available evidence is currently insufficient to determine the role of this variant in disease. Therefore, it has been classified as a Variant of Uncertain Significance.